The following is an entry in ClinVar:

NM_021615.5(CHST6):c.182A>C (p.Asn61Thr)

Gene: CHST6 (carbohydrate sulfotransferase 6; minus strand). Cytogenetic location: 16q23.1.
Variant type: single nucleotide variant.
Coding change: c.182A>C on transcript NM_021615.5 (MANE Select); coding-DNA position 182, A replaced by C.
Protein change: p.Asn61Thr; replaces asparagine 61 with threonine.
Molecular consequence: missense variant.
Genome position (GRCh38, 1-based): chr16:75,479,647, T>G on the plus strand (A>C on the coding strand, the complement: CHST6 is on the minus strand). VCF-style: chr16-75479647-T-G. GRCh37 (hg19) VCF-style: chr16-75513545-T-G.
Other names: short protein forms N61T.
Identifiers: ClinVar variation 3375144 (VCV003375144.1).
Genomic context (GRCh38, chr16:75,479,647, plus strand): 5'-GACAGGGTGGTCCACACGTGCCACGCGGGCTCCATTAGGTAGAAGACGTCGGGGTGCTGG[T>G]TGAAGAGTTGGCCCACGAAGGACGAGCCCGAGCGCCACGAGGACAGCACCAGCACATGCA-3'
Protein context (NP_067628.1, residues 51-71): SGSSFVGQLF[Asn61Thr]QHPDVFYLME

ClinVar aggregate classification (germline): Uncertain significance (1 of 4 stars; one submission).

Submission:

Women's Health and Genetics/Laboratory Corporation of America, LabCorp
Classification: Uncertain significance. Last evaluated: 2024-09-27. Review status: criteria provided, single submitter. Criteria: LabCorp Variant Classification Summary - May 2015. Collection method: clinical testing. Allele origin: germline.
Comment: Variant summary: CHST6 c.182A>C (p.Asn61Thr) results in a non-conservative amino acid change located in the Sulfotransferase domain (amino acids 42-354; IPR000863) of the encoded protein sequence. Three of five in-silico tools predict a benign effect of the variant on protein function. The variant allele was found at a frequency of 8.1e-06 in 1605574 control chromosomes. This frequency is not higher than estimated for a pathogenic variant in CHST6 causing Macular Corneal Dystrophy (0.0013), allowing no conclusion about variant significance. c.182A>C has been reported in the literature in an individual affected with Macular Corneal Dystrophy (Niel_2003). These data do not allow clear conclusions about variant significance. To our knowledge, no experimental evidence demonstrating an impact on protein function has been reported. No submitters have cited clinical-significance assessments for this variant to ClinVar. Based on the evidence outlined above, the variant was classified as uncertain significance.

Literature cited by the submitters: PubMed 12824236; PubMed 19337156.